The following is an entry in ClinVar:

ClinVar aggregate classification (germline): Likely benign. Review status: criteria provided, multiple submitters, no conflicts (2 of 4 stars). 4 submissions from 4 submitters: Likely benign (3). 1 of the submissions does not count toward it. Last evaluated 2024-09-18.

Conditions:
EED-related disorder. Also called: EED-related condition.
Cohen-Gibson syndrome (COGIS). Also called: EED-Related Overgrowth. Identifiers: Orphanet 659396, MedGen C4479654, MONDO:0060510, OMIM 617561.
Inborn genetic diseases. Identifiers: MedGen C0950123, MeSH D030342.

Allele frequency attached by ClinVar (database versions not stated): ExAC 0.00030; ESP Exome Variant Server 0.00031; gnomAD exomes 0.00032; gnomAD 0.00038; TOPMed 0.00039.
gnomAD v4.1: 778 of 1,601,304 alleles (0.049%); highest among the groups gnomAD compares: Middle Eastern, 0.083%; 2 homozygotes.

Submissions (4):

Blueprint Genetics
Classification: Likely benign. Last evaluated: 2024-09-18. Review status: criteria provided, single submitter. Criteria: ACMG Guidelines, 2015. Collection method: clinical testing. Allele origin: germline.

Labcorp Genetics (formerly Invitae), Labcorp
Classification: Likely benign for Cohen-Gibson syndrome. Last evaluated: 2024-04-02. Review status: criteria provided, single submitter. Criteria: Invitae Variant Classification Sherloc (09022015). Collection method: clinical testing. Allele origin: germline.

Ambry Genetics
Classification: Likely benign for Inborn genetic diseases. Last evaluated: 2022-05-20. Review status: criteria provided, single submitter. Criteria: Ambry Variant Classification Scheme 2023. Collection method: clinical testing. Allele origin: germline.

PreventionGenetics, part of Exact Sciences
Classification: Likely benign for EED-related condition. Last evaluated: 2021-05-05. Review status: no assertion criteria provided. Collection method: clinical testing. Allele origin: germline. Not counted in ClinVar's aggregate classification.
Comment: This variant is classified as likely benign based on ACMG/AMP sequence variant interpretation guidelines (Richards et al. 2015 PMID: 25741868, with internal and published modifications).

NM_003797.5(EED):c.148A>C (p.Thr50Pro)

Gene: EED (embryonic ectoderm development; plus strand). Cytogenetic location: 11q14.2.
Variant type: single nucleotide variant.
Coding change: c.148A>C on transcript NM_003797.5 (MANE Select); coding-DNA position 148, A replaced by C.
Protein change: p.Thr50Pro; replaces threonine 50 with proline.
Molecular consequence: missense variant.
Genome position (GRCh38, 1-based): chr11:86,250,329, A>C. VCF-style: chr11-86250329-A-C. GRCh37 (hg19) VCF-style: chr11-85961371-A-C.
Other names: c.148A>C, p.Thr50Pro (NM_001308007.2, NM_001330334.2); c.148A>C (NM_003797.3); short protein forms T50P.
Identifiers: ClinVar variation 798256 (VCV000798256.12), dbSNP rs149126431, ClinGen allele CA6216345.